The following is an entry in ClinVar:

ClinVar aggregate classification (germline): Uncertain significance (1 of 4 stars; one submission).

gnomAD v4.1: 18 of 1,614,132 alleles (0.0011%); highest among the groups gnomAD compares: Non-Finnish European, 0.0015%; no homozygotes.

Submission:

CeGaT Center for Human Genetics Tuebingen
Classification: Uncertain significance. Last evaluated: 2026-08-01. Review status: criteria provided, single submitter. Criteria: CeGaT Center For Human Genetics Tuebingen Variant Classification Criteria Version 2. Collection method: clinical testing. Allele origin: germline. Affected: yes. Observed: 1 variant allele.
Comment: ITPR3: PM2, PP3

NM_002224.4(ITPR3):c.6460C>T (p.Arg2154Trp)

Gene: ITPR3 (inositol 1,4,5-trisphosphate receptor type 3; plus strand). Cytogenetic location: 6p21.31.
Variant type: single nucleotide variant.
Coding change: c.6460C>T on transcript NM_002224.4 (MANE Select); coding-DNA position 6460, C replaced by T.
Protein change: p.Arg2154Trp; replaces arginine 2154 with tryptophan.
Molecular consequence: missense variant.
Genome position (GRCh38, 1-based): chr6:33,688,323, C>T. VCF-style: chr6-33688323-C-T. GRCh37 (hg19) VCF-style: chr6-33656100-C-T.
Other names: short protein forms R2154W.
Identifiers: ClinVar variation 5039582 (VCV005039582.1).
Genomic context (GRCh38, chr6:33,688,323, plus strand): 5'-GAGCAGATCGTGTTCCCAGTGCCCGGCATCTGCCAGTTCCTGACGGAGGAAACCAAGCAC[C>T]GGCTCTTCACCACTACTGAGCAGGACGAGCAGGGCAGCAAAGTGAGCGACTTCTTCGACC-3'
Protein context (NP_002215.2, residues 2144-2164): CQFLTEETKH[Arg2154Trp]LFTTTEQDEQ